The following is an entry in ClinVar:

ClinVar aggregate classification (germline): Uncertain significance (1 of 4 stars; one submission).

Conditions:
Congenital contractural arachnodactyly (CCA). Also called: BEALS SYNDROME; Arthrogryposis, distal, type 9; Beals-Hecht syndrome. Identifiers: Orphanet 115, MedGen C0220668, MONDO:0007363, OMIM 121050.

Submission:

Labcorp Genetics (formerly Invitae), Labcorp
Classification: Uncertain significance for Congenital contractural arachnodactyly. Last evaluated: 2025-10-02. Review status: criteria provided, single submitter. Criteria: Invitae Variant Classification Sherloc (09022015). Collection method: clinical testing. Allele origin: germline.
Comment: This sequence change replaces valine, which is neutral and non-polar, with leucine, which is neutral and non-polar, at codon 338 of the FBN2 protein (p.Val338Leu). This variant is not present in population databases (gnomAD no frequency). This variant has not been reported in the literature in individuals affected with FBN2-related conditions. ClinVar contains an entry for this variant (Variation ID: 2918219). Invitae Evidence Modeling of protein sequence and biophysical properties (such as structural, functional, and spatial information, amino acid conservation, physicochemical variation, residue mobility, and thermodynamic stability) indicates that this missense variant is not expected to disrupt FBN2 protein function with a negative predictive value of 95%. In summary, the available evidence is currently insufficient to determine the role of this variant in disease. Therefore, it has been classified as a Variant of Uncertain Significance.

NM_001999.4(FBN2):c.1012G>T (p.Val338Leu)

Gene: FBN2 (fibrillin 2; minus strand). Cytogenetic location: 5q23.3.
Variant type: single nucleotide variant.
Coding change: c.1012G>T on transcript NM_001999.4 (MANE Select); coding-DNA position 1012, G replaced by T.
Protein change: p.Val338Leu; replaces valine 338 with leucine.
Molecular consequence: missense variant.
Genome position (GRCh38, 1-based): chr5:128,408,740, C>A on the plus strand (G>T on the coding strand, the complement: FBN2 is on the minus strand). VCF-style: chr5-128408740-C-A. GRCh37 (hg19) VCF-style: chr5-127744433-C-A.
Other names: short protein forms V338L.
Identifiers: ClinVar variation 2918219 (VCV002918219.3), dbSNP rs757151535, ClinGen allele CA360753448.